The following is an entry in ClinVar:

ClinVar aggregate classification (germline): Pathogenic (1 of 4 stars; one submission).

Conditions:
Ataxia-telangiectasia syndrome (AT). Also called: ATAXIA-TELANGIECTASIA, COMPLEMENTATION GROUP A; ATAXIA-TELANGIECTASIA, FRESNO VARIANT; Ataxia-telangiectasia; Ataxia-telangiectasia, complementation group E; LOUIS-BAR SYNDROME; Cerebello-oculocutaneous telangiectasia. Identifiers: Orphanet 100, MedGen C0004135, MONDO:0008840, OMIM 208900.

Submission:

Labcorp Genetics (formerly Invitae), Labcorp
Classification: Pathogenic for Ataxia-telangiectasia syndrome. Last evaluated: 2025-10-13. Review status: criteria provided, single submitter. Criteria: Invitae Variant Classification Sherloc (09022015). Collection method: clinical testing. Allele origin: germline.
Comment: This sequence change inserts a large fragment of DNA, likely a transposable element, in exon 61 of the ATM gene (c.8841_8842ins?), causing a frameshift at codon 2947 (p.Thr2947fs). The exact size and sequence of the insertion cannot be determined by the current assay. However, the insertion is expected to result in an absent or disrupted protein product. This variant is not present in population databases (gnomAD no frequency). This variant has not been reported in the literature in individuals affected with ATM-related conditions. Retrotransposon insertions including LINE1 (L1), Alu, and SVA (SINE-VNTR-Alu) have been reported to be disease-causing through disruption of either a coding region or splice site (PMID: 19763152, 20307669, 22406018) and loss-of-function variants in ATM are known to be pathogenic (PMID: 23807571, 25614872). For these reasons, this variant has been classified as Pathogenic.

Literature cited by the submitters: PubMed 19763152; PubMed 20307669; PubMed 22406018; PubMed 23807571; PubMed 25614872.

NM_000051.4(ATM):c.8841_8842insTTCATAAGTGAAGGAGAAATAAAATACTTTACAGACAAGCAAATGCTGAGAGATTTTGTCANNNNNNNNNNNNNAAAAAAAAAA (p.Thr2947_Ile2948insPheIleSerGluGlyGluIleLysTyrPheThrAspLysGlnMetLeuArgAspPheValXaaXaaXaaXaaXaaLysLysLys)

Genes: C11orf65 (chromosome 11 open reading frame 65; minus strand), ATM (ATM serine/threonine kinase; plus strand). Cytogenetic location: 11q22.3.
Variant type: Insertion.
Coding change: c.8841_8842insTTCATAAGTGAAGGAGAAATAAAATACTTTACAGACAAGCAAATGCTGAGAGATTTTGTCANNNNNNNNNNNNNAAAAAAAAAA on transcript NM_000051.4 (MANE Select); coding-DNA positions 8841 to 8842, TTCATAAGTGAAGGAGAAATAAAATACTTTACAGACAAGCAAATGCTGAGAGATTTTGTCANNNNNNNNNNNNNAAAAAAAAAA inserted.
Protein change: p.Thr2947_Ile2948insPheIleSerGluGlyGluIleLysTyrPheThrAspLysGlnMetLeuArgAspPheValXaaXaaXaaXaaXaaLysLysLys.
Molecular consequence: inframe insertion. On other transcripts: intron variant (2).
Genome position: GRCh38: chr11:108,354,865-108,354,866. GRCh37 (hg19): chr11:108,225,592-108,225,593.
Other names: c.8841_8842insTTCATAAGTGAAGGAGAAATAAAATACTTTACAGACAAGCAAATGCTGAGAGATTTTGTCANNNNNNNNNNNNNAAAAAAAAAA, p.Thr2947_Ile2948insPheIleSerGluGlyGluIleLysTyrPheThrAspLysGlnMetLeuArgAspPheValXaaXaaXaaXaaXaaLysLysLys (NM_001351834.2); c.640+31054_640+31055insTTTTTTTTTTNNNNNNNNNNNNNTGACAAAATCTCTCAGCATTTGCTTGTCTGTAAAGTATTTTATTTCTCCTTCACTTATGAA (NM_001330368.2); c.695-19574_695-19573insTTTTTTTTTTNNNNNNNNNNNNNTGACAAAATCTCTCAGCATTTGCTTGTCTGTAAAGTATTTTATTTCTCCTTCACTTATGAA (NM_001351110.2).
Identifiers: ClinVar variation 2103169 (VCV002103169.4), dbSNP rs2547537125.